The following is an entry in ClinVar:

NM_000038.6(APC):c.6424A>C (p.Ile2142Leu)

Gene: APC (APC regulator of Wnt signaling pathway; plus strand). Cytogenetic location: 5q22.2.
Variant type: single nucleotide variant.
Coding change: c.6424A>C on transcript NM_000038.6 (MANE Select); coding-DNA position 6424, A replaced by C.
Protein change: p.Ile2142Leu; replaces isoleucine 2142 with leucine.
Molecular consequence: missense variant.
Genome position (GRCh38, 1-based): chr5:112,842,018, A>C. VCF-style: chr5-112842018-A-C. GRCh37 (hg19) VCF-style: chr5-112177715-A-C.
Other names: c.6151A>C, p.Ile2051Leu (NM_001354902.2); c.6121A>C, p.Ile2041Leu (NM_001354903.2); c.6046A>C, p.Ile2016Leu (NM_001354904.2); c.5944A>C, p.Ile1982Leu (NM_001354905.2); c.5575A>C, p.Ile1859Leu (NM_001354906.2); c.6424A>C, p.Ile2142Leu (NM_001127510.3, NM_001354895.2); c.6370A>C, p.Ile2124Leu (NM_001127511.3); c.6478A>C, p.Ile2160Leu (NM_001354896.2); and 5 more; short protein forms I2041L, I2114L, I2124L, I2142L, I2160L, I2016L, I2083L, I2117L.
Identifiers: ClinVar variation 924070 (VCV000924070.4), dbSNP rs1766209169, ClinGen allele CA16035390.

ClinVar aggregate classification (germline): Uncertain significance (1 of 4 stars; one submission).

Conditions:
Hereditary cancer-predisposing syndrome. Also called: Neoplastic Syndromes, Hereditary; Tumor predisposition; Hereditary Cancer Syndrome; Hereditary neoplastic syndrome. Identifiers: Orphanet 140162, MedGen C0027672, MeSH D009386, MONDO:0015356.

Submission:

Color Diagnostics, LLC DBA Color Health
Classification: Uncertain significance for Hereditary cancer-predisposing syndrome. Last evaluated: 2024-03-07. Review status: criteria provided, single submitter. Criteria: ACMG Guidelines, 2015. Collection method: clinical testing. Allele origin: germline.
Comment: This missense variant replaces isoleucine with leucine at codon 2142 of the APC protein. Computational prediction tool suggests that this variant may not impact protein structure and function (internally defined REVEL score threshold <=0.5, PMID: 27666373). Splice site prediction tools suggest that this variant may not impact RNA splicing. To our knowledge, functional studies have not been performed for this variant. This variant has not been reported in individuals affected with hereditary cancer in the literature. This variant has not been identified in the general population by the Genome Aggregation Database (gnomAD). The available evidence is insufficient to determine the role of this variant in disease conclusively. Therefore, this variant is classified as a Variant of Uncertain Significance.